The following is an entry in ClinVar:

ClinVar aggregate classification (germline): Uncertain significance (1 of 4 stars; one submission).

gnomAD v4.1: 1 of 1,613,702 alleles (0.000062%); highest among the groups gnomAD compares: Admixed American, 0.0017%; no homozygotes.

Submission:

Ambry Genetics
Classification: Uncertain significance. Last evaluated: 2024-03-22. Review status: criteria provided, single submitter. Criteria: Ambry Variant Classification Scheme 2023. Collection method: clinical testing. Allele origin: germline.
Comment: The p.H202R variant (also known as c.605A>G), located in coding exon 7 of the NPAT gene, results from an A to G substitution at nucleotide position 605. The histidine at codon 202 is replaced by arginine, an amino acid with highly similar properties. This amino acid position is conserved. In addition, this alteration is predicted to be tolerated by in silico analysis. Since supporting evidence is limited at this time, the clinical significance of this alteration remains unclear.

NM_002519.3(NPAT):c.605A>G (p.His202Arg)

Gene: NPAT (nuclear protein, coactivator of histone transcription; minus strand). Cytogenetic location: 11q22.3.
Variant type: single nucleotide variant.
Coding change: c.605A>G on transcript NM_002519.3 (MANE Select); coding-DNA position 605, A replaced by G.
Protein change: p.His202Arg; replaces histidine 202 with arginine.
Molecular consequence: missense variant.
Genome position (GRCh38, 1-based): chr11:108,188,131, T>C on the plus strand (A>G on the coding strand, the complement: NPAT is on the minus strand). VCF-style: chr11-108188131-T-C. GRCh37 (hg19) VCF-style: chr11-108058858-T-C.
Other names: c.605A>G, p.His202Arg (NM_001321307.1); short protein forms H202R.
Identifiers: ClinVar variation 1751312 (VCV001751312.2), dbSNP rs747183862, ClinGen allele CA6264256.